The following is an entry in ClinVar:

NM_005476.7(GNE):c.830G>A (p.Arg277His)

Gene: GNE (glucosamine (UDP-N-acetyl)-2-epimerase/N-acetylmannosamine kinase; minus strand). Cytogenetic location: 9p13.3.
Variant type: single nucleotide variant.
Coding change: c.830G>A on transcript NM_005476.7 (MANE Select); coding-DNA position 830, G replaced by A.
Protein change: p.Arg277His; replaces arginine 277 with histidine.
Molecular consequence: missense variant.
Genome position (GRCh38, 1-based): chr9:36,234,072, C>T on the plus strand (G>A on the coding strand, the complement: GNE is on the minus strand). VCF-style: chr9-36234072-C-T. GRCh37 (hg19) VCF-style: chr9-36234069-C-T.
Other names: c.923G>A, p.Arg308His (NM_001128227.3); c.830G>A, p.Arg277His (NM_001190383.3); c.500G>A, p.Arg167His (NM_001190384.3); c.653G>A, p.Arg218His (NM_001190388.2, NM_001374798.1); c.677G>A, p.Arg226His (NM_001374797.1); short protein forms R308H, R277H, R167H, R218H, R226H.
Identifiers: ClinVar variation 2946391 (VCV002946391.5), dbSNP rs1198065155, ClinGen allele CA373430781.
Genomic context (GRCh38, chr9:36,234,072, plus strand): 5'-ATACAGCCAGCATGGGCAACCAACTGTATAAACTGGTCAAATGGGACGTGTTTAACTGCA[C>T]GAAAGTTGGGATGATGCTCAATGCCCTTCTTCCGCATCACTCGAACCATCTCTTTGCTCC-3'
Protein context (NP_005467.1, residues 267-287): KKGIEHHPNF[Arg277His]AVKHVPFDQF

ClinVar aggregate classification (germline): Uncertain significance. Review status: criteria provided, multiple submitters, no conflicts (2 of 4 stars). 2 submissions from 2 submitters: Uncertain significance (2). Last evaluated 2025-04-11.

Conditions:
GNE myopathy (NM). Also called: NONAKA DISTAL MYOPATHY; INCLUSION BODY MYOPATHY, HEREDITARY, AUTOSOMAL RECESSIVE; INCLUSION BODY MYOPATHY 2, AUTOSOMAL RECESSIVE; MYOPATHY, DISTAL, WITH OR WITHOUT RIMMED VACUOLES; IBM 2; Inclusion body myopathy autosomal recessive. Identifiers: Orphanet 602, MedGen C1853926, MONDO:0011603, OMIM 605820.
Sialuria. Also called: SIALURIA, FRENCH TYPE; Sialic Acid Storage Disease. Identifiers: Orphanet 3166, MedGen C0342853, MONDO:0010028, OMIM 269921.

Allele frequency attached by ClinVar (database versions not stated): gnomAD exomes below 0.00001.
gnomAD v4.1: 6 of 1,614,090 alleles (0.00037%); highest among the groups gnomAD compares: Non-Finnish European, 0.00034%; no homozygotes.

Submissions (2):

Women's Health and Genetics/Laboratory Corporation of America, LabCorp
Classification: Uncertain significance. Last evaluated: 2025-04-11. Review status: criteria provided, single submitter. Criteria: LabCorp Variant Classification Summary - May 2015. Collection method: clinical testing. Allele origin: germline.
Comment: Variant summary: GNE c.923G>A (p.Arg308His) results in a non-conservative amino acid change in the encoded protein sequence. Three of five in-silico tools predict a damaging effect of the variant on protein function. The variant allele was found at a frequency of 4e-06 in 251476 control chromosomes (gnomAD). The available data on variant occurrences in the general population are insufficient to allow any conclusion about variant significance. To our knowledge, no occurrence of c.923G>A in individuals affected with Inclusion Body Myopathy 2 and no experimental evidence demonstrating its impact on protein function have been reported. A different variant affecting the same codon has been classified as pathogenic by our lab (c.922C>T, p.Arg308Cys), supporting the critical relevance of codon 308 to GNE protein function. ClinVar contains an entry for this variant (Variation ID: 2946391). Based on the evidence outlined above, the variant was classified as uncertain significance.

Labcorp Genetics (formerly Invitae), Labcorp
Classification: Uncertain significance for Sialuria; GNE myopathy. Last evaluated: 2023-10-14. Review status: criteria provided, single submitter. Criteria: Invitae Variant Classification Sherloc (09022015). Collection method: clinical testing. Allele origin: germline.
Comment: This sequence change replaces arginine, which is basic and polar, with histidine, which is basic and polar, at codon 308 of the GNE protein (p.Arg308His). The frequency data for this variant in the population databases is considered unreliable, as metrics indicate poor data quality at this position in the gnomAD database. This variant has not been reported in the literature in individuals affected with GNE-related conditions. Advanced modeling of protein sequence and biophysical properties (such as structural, functional, and spatial information, amino acid conservation, physicochemical variation, residue mobility, and thermodynamic stability) has been performed at Invitae for this missense variant, however the output from this modeling did not meet the statistical confidence thresholds required to predict the impact of this variant on GNE protein function. This variant disrupts the p.Arg308 amino acid residue in GNE. Other variant(s) that disrupt this residue have been determined to be pathogenic (PMID: 18555875, 22507750, 24027297, 24695763, 29480215). This suggests that this residue is clinically significant, and that variants that disrupt this residue are likely to be disease-causing. In summary, the available evidence is currently insufficient to determine the role of this variant in disease. Therefore, it has been classified as a Variant of Uncertain Significance.

Literature cited by the submitters: PubMed 18555875 (cited by Labcorp Genetics (formerly Invitae), Labcorp); PubMed 22507750 (cited by Labcorp Genetics (formerly Invitae), Labcorp); PubMed 24027297 (cited by Labcorp Genetics (formerly Invitae), Labcorp); PubMed 24695763 (cited by Labcorp Genetics (formerly Invitae), Labcorp); PubMed 29480215 (cited by Labcorp Genetics (formerly Invitae), Labcorp).